The following is an entry in ClinVar:

ClinVar aggregate classification (germline): Pathogenic/Likely pathogenic. Review status: criteria provided, multiple submitters, no conflicts (2 of 4 stars). 3 submissions from 3 submitters: Pathogenic (1); Likely pathogenic (1). 1 of the submissions does not count toward it. Last evaluated 2023-08-09.

Conditions:
Osteogenesis imperfecta type 5 (OI5). Also called: OSTEOGENESIS IMPERFECTA, TYPE V; OI type 5; Type V OI. Identifiers: Orphanet 216828, MedGen C2931093, MONDO:0012591, OMIM 610967.

Submissions (3):

Labcorp Genetics (formerly Invitae), Labcorp
Classification: Pathogenic. Last evaluated: 2023-08-09. Review status: criteria provided, single submitter. Criteria: Invitae Variant Classification Sherloc (09022015). Collection method: clinical testing. Allele origin: germline.
Comment: This missense change has been observed in individual(s) with osteogenesis imperfecta (PMID: 30985308, 34567078). This variant is not present in population databases (gnomAD no frequency). This sequence change replaces serine, which is neutral and polar, with tryptophan, which is neutral and slightly polar, at codon 40 of the IFITM5 protein (p.Ser40Trp). ClinVar contains an entry for this variant (Variation ID: 689498). For these reasons, this variant has been classified as Pathogenic. This variant disrupts the p.Ser40 amino acid residue in IFITM5. Other variant(s) that disrupt this residue have been determined to be pathogenic (PMID: 24478195, 24519609, 29595812). This suggests that this residue is clinically significant, and that variants that disrupt this residue are likely to be disease-causing. Algorithms developed to predict the effect of sequence changes on RNA splicing suggest that this variant may create or strengthen a splice site. An algorithm developed to predict the effect of missense changes on protein structure and function (PolyPhen-2) suggests that this variant is likely to be disruptive.

Genetics Service, Department of Paediatrics, KK Women's and Children's Hospital
Classification: Likely pathogenic for Osteogenesis imperfecta type 5. Last evaluated: 2018-01-03. Review status: criteria provided, single submitter. Criteria: ACMG Guidelines, 2015. Collection method: clinical testing. Allele origin: maternal, somatic. Inheritance: Autosomal dominant inheritance. Affected: yes and no.
Comment: The Ser40Trp variant in IFITM5 was absent from population studies. Ser40Leu variant results in severe OI phenotype. This Ser40Trp co-segregate with affected individuals in the family. In summary, the Ser40Trp variant meets our criteria to be classified as likely pathogenic variant.

OMIM
Classification: Pathogenic for OSTEOGENESIS IMPERFECTA, TYPE V. Last evaluated: 2022-02-11. Review status: no assertion criteria provided. Collection method: literature only. Allele origin: germline. Not counted in ClinVar's aggregate classification.

Literature cited by the submitters: PubMed 30985308 (cited by Labcorp Genetics (formerly Invitae), Labcorp); PubMed 34567078 (cited by Labcorp Genetics (formerly Invitae), Labcorp); PubMed 24478195 (cited by Labcorp Genetics (formerly Invitae), Labcorp); PubMed 24519609 (cited by Labcorp Genetics (formerly Invitae), Labcorp); PubMed 29595812 (cited by Labcorp Genetics (formerly Invitae), Labcorp); Lim, J. Y., Bhatia, N. S., Vasanwala, R. F., Chay, P. L., Lim, K. B. L., Khoo, P. C., Schwarze, U., Jamuar, S. S. A novel Ser40Trp variant in IFITM5 in a family with osteogenesis imperfecta and review of the literature. Clin. Dysmorph. 28: 118-123, 2019. (cited by OMIM).

NM_001025295.3(IFITM5):c.119C>G (p.Ser40Trp)

Gene: IFITM5 (interferon induced transmembrane protein 5; minus strand). Cytogenetic location: 11p15.5.
Variant type: single nucleotide variant.
Coding change: c.119C>G on transcript NM_001025295.3 (MANE Select); coding-DNA position 119, C replaced by G.
Protein change: p.Ser40Trp; replaces serine 40 with tryptophan.
Molecular consequence: missense variant.
Genome position (GRCh38, 1-based): chr11:299,372, G>C on the plus strand (C>G on the coding strand, the complement: IFITM5 is on the minus strand). VCF-style: chr11-299372-G-C. GRCh37 (hg19) VCF-style: chr11-299372-G-C.
Other names: short protein forms S40W.
Identifiers: ClinVar variation 689498 (VCV000689498.8), dbSNP rs786201032, ClinGen allele CA378890817.